The following is an entry in ClinVar:

ClinVar aggregate classification (germline): Uncertain significance (1 of 4 stars; one submission).

Submission:

GeneDx
Classification: Uncertain significance. Last evaluated: 2023-01-20. Review status: criteria provided, single submitter. Criteria: GeneDx Variant Classification Process June 2021. Collection method: clinical testing. Allele origin: germline. Affected: yes.
Comment: Not observed at significant frequency in large population cohorts (gnomAD); In silico analysis supports that this variant does not alter splicing; Has not been previously published as pathogenic or benign to our knowledge

NM_016203.4(PRKAG2):c.945A>T (p.Val315=)

Gene: PRKAG2 (protein kinase AMP-activated non-catalytic subunit gamma 2; minus strand). Cytogenetic location: 7q36.1.
Variant type: single nucleotide variant.
Coding change: c.945A>T on transcript NM_016203.4 (MANE Select); coding-DNA position 945, A replaced by T.
Protein change: p.Val315=; no amino-acid change (valine 315 retained).
Molecular consequence: synonymous variant.
Genome position (GRCh38, 1-based): chr7:151,576,372, T>A on the plus strand (A>T on the coding strand, the complement: PRKAG2 is on the minus strand). VCF-style: chr7-151576372-T-A. GRCh37 (hg19) VCF-style: chr7-151273458-T-A.
Other names: c.813A>T, p.Val271= (NM_001040633.2, NM_001407024.1); c.570A>T, p.Val190= (NM_001304527.2, NM_001407029.1); c.222A>T, p.Val74= (NM_001304531.2, NM_001407034.1, NM_001407035.1 and 1 more transcripts); c.573A>T, p.Val191= (NM_001363698.2, NM_001407028.1); c.945A>T, p.Val315= (NM_001407021.1); c.942A>T, p.Val314= (NM_001407022.1, NM_001407023.1); c.810A>T, p.Val270= (NM_001407026.1, NM_001407027.1); c.657A>T, p.Val219= (NM_001407030.1); and 6 more.
Identifiers: ClinVar variation 2573719 (VCV002573719.1), dbSNP rs759393540, ClinGen allele CA458670518.
Genomic context (GRCh38, chr7:151,576,372, plus strand): 5'-TTAGGCTTTCTGCTTTCAAGGTTTCCATTTTCGATTTTCCTCAGGCCCACACTGCTTACC[T>A]ACAAAACTTTGTTTTTTACTCTCCCACAGTGGCGCTGCTCGGACACCGTTGGCTACCAAA-3'
Protein context (NP_057287.2, residues 305-325): PLWESKKQSF[Val315=]GMLTITDFIN